The following continues an entry in ClinVar:

NM_000018.4(ACADVL):c.848T>C (p.Val283Ala)

Gene: ACADVL. ClinVar aggregate classification (germline): Pathogenic. Pathogenic (1).

Submissions 21 to 32 of 39:

Ambry Genetics
Classification: Pathogenic for Inborn genetic diseases. Last evaluated: 2022-04-11. Review status: criteria provided, single submitter. Criteria: Ambry Variant Classification Scheme 2023. Collection method: clinical testing. Allele origin: germline. Not counted in ClinVar's aggregate classification.
Comment: The c.848T>C (p.V283A) alteration is located in exon 9 (coding exon 9) of the ACADVL gene. This alteration results from a T to C substitution at nucleotide position 848, causing the valine (V) at amino acid position 283 to be replaced by an alanine (A). Based on data from gnomAD, the C allele has an overall frequency of 0.12% (346/282744) total alleles studied. The highest observed frequency was 0.22% (289/129106) of European (non-Finnish) alleles. This mutation has been observed in compound heterozygous and homozygous form in individuals with very-long-chain acyl-CoA dehydrogenase deficiency (Spiekerkoetter, 2003; Coughlin, 2010; Miller, 2015; Evans, 2016; Pena, 2016). This mutations is also known as p.V243A in the literature. Functional studies have demonstrated that this variants results in ~20% enzyme activity compared to wild type (Andresen, 1999; Goetzman, 2007). This alteration is predicted to be deleterious by in silico analysis. Based on the available evidence, this alteration is classified as pathogenic.

Centre of Medical Genetics, University Hospital Muenster
Classification: Pathogenic. Last evaluated: 2021-12-04. Review status: criteria provided, single submitter. Criteria: ACMG Guidelines, 2015. Collection method: clinical testing. Allele origin: unknown. Affected: yes. Observed: 1 variant allele, 1 heterozygote. Not counted in ClinVar's aggregate classification.
Comment: ACMG categories: PS3,PS4,PM2,PM3,PP3,PP5,BP1

Genome-Nilou Lab
Classification: Pathogenic for Very long chain acyl-CoA dehydrogenase deficiency. Last evaluated: 2021-07-22. Review status: criteria provided, single submitter. Criteria: ACMG Guidelines, 2015. Collection method: clinical testing. Allele origin: germline. Affected: no. Not counted in ClinVar's aggregate classification.

Clinical Genetics Laboratory, Region Ostergotland
Classification: Pathogenic for Very long chain acyl-CoA dehydrogenase deficiency. Last evaluated: 2020-08-17. Review status: criteria provided, single submitter. Criteria: ACMG Guidelines, 2015. Collection method: clinical testing. Allele origin: germline. Not counted in ClinVar's aggregate classification.
Comment: PS4, PM1, PM2, PM3, PP5

Heterozygous

Genetics and Molecular Pathology, SA Pathology
Classification: Pathogenic for Very long chain acyl-CoA dehydrogenase deficiency. Last evaluated: 2020-07-20. Review status: criteria provided, single submitter. Criteria: ACMG Guidelines, 2015. Collection method: clinical testing. Allele origin: germline. Inheritance: Autosomal recessive inheritance. Affected: yes. Not counted in ClinVar's aggregate classification.
Comment: The ACADVL c.848T>C variant is classified as PATHOGENIC (PS4, PS3, PP5, PP3) The ACADVL c.848T>C variant is a single nucleotide substitution from a thymine to cytosine at position 848 which is predicted to change the valine at position 283 in the protein to alanine. This variant has been previously referred to as p.V243A and is the most common variant associated with VLCAD deficiency (PMID: 9973285, 27209629, 31031081) (PS4). Multiple functional studies have demonstrated that this variant is associated with approximately 20% residual enzyme activity, resulting in a milder phenotype (PMID: 9973285, 17374501, 21932095) (PS3). The variant is in dbSNP (rs113994167) and has been reported in population databases (gnomAD 346/282744, 2 homozygotes). The variant has been reported in the ClinVar database as pathogenic by multiple diagnostic laboratories (Var ID 21025) and has been reported in the HGMD database (CM960004) (PP5). Computational predictions support a deleterious effect on the gene or gene product (PP3).

Wong Mito Lab, Molecular and Human Genetics, Baylor College of Medicine
Classification: Pathogenic for Very long chain acyl-CoA dehydrogenase deficiency. Last evaluated: 2019-11-01. Review status: criteria provided, single submitter. Criteria: ACMG Guidelines, 2015. Collection method: clinical testing. Allele origin: germline. Not counted in ClinVar's aggregate classification.
Comment: The NM_000018.3:c.848T>C (NP_000009.1:p.Val283Ala) [GRCH38: NC_000017.11:g.7222272T>C] variant in ACADVL gene is interpretated to be Pathogenic based on ACMG guidelines (PMID: 25741868). This variant has been reported in PMID: 8845838; 26385305. This variant meets the following evidence codes reported in the ACMG guidelines: PS1, PS3

Myriad Genetics, Inc.
Classification: Pathogenic for Very long chain acyl-CoA dehydrogenase deficiency. Last evaluated: 2019-10-18. Review status: criteria provided, single submitter. Criteria: Myriad Women's Health Autosomal Recessive and X-Linked Classification Criteria (2019). Collection method: clinical testing. Allele origin: unknown. Not counted in ClinVar's aggregate classification.
Comment: NM_000018.3(ACADVL):c.848T>C(V283A, aka V243A) is classified as pathogenic in the context of very-long-chain acyl-CoA dehydrogenase deficiency. Sources cited for classification include the following: PMID 9973285, 21932095, 8845838, and 17374501. Classification of NM_000018.3(ACADVL):c.848T>C(V283A, aka V243A) is based on the following criteria: This is a well-established pathogenic variant in the literature that has been observed more frequently in patients with clinical diagnoses than in healthy populations. Please note: this variant was assessed in the context of healthy population screening.

Illumina Laboratory Services, Illumina
Classification: Pathogenic for Very long chain acyl-CoA dehydrogenase deficiency. Last evaluated: 2017-10-18. Review status: criteria provided, single submitter. Criteria: ICSL Variant Classification Criteria 09 May 2019. Collection method: clinical testing. Allele origin: germline. Not counted in ClinVar's aggregate classification.
Comment: The ACADVL c.848T>C (p.Val283Ala) variant, also referred to as c.917T>C (p.Val306Ala), is one of the most common pathogenic variants and accounts for approximately 20% of disease-causing alleles among individuals with VLCAD deficiency ascertained by newborn screening (Leslie et al. 2014). Across a selection of the available literature, the p.Val283Ala variant was identified in a total of 20 individuals with VLCAD deficiency, including two homozygotes, 17 compound heterozygotes, and one heterozygote (Andresen et al. 1996; Andresen et al. 1999; Shchelochkov et al. 2009; Coughlin et al. 2010; McGoey et al. 2011; Schiff et al. 2013; Merritt et al. 2014). The phenotypic spectrum of these individuals ranged from asymptomatic to severe. The variant was absent from 51 control individuals, but is reported at a frequency of 0.00241 in the European (non-Finnish) population of the Exome Aggregation Consortium. Expression studies in prokaryotic and mammalian cells showed that the p.Val283Ala variant had enzyme activity of 20%-25% of the wild type (Andresen et al. 1999; Goetzman et al. 2007). Based on the evidence, the p.Val283Ala variant is classified as pathogenic for VLCAD deficiency. This variant was observed by ICSL as part of a predisposition screen in an ostensibly healthy population.

Fulgent Genetics
Classification: Pathogenic for Very long chain acyl-CoA dehydrogenase deficiency. Last evaluated: 2017-05-18. Review status: criteria provided, single submitter. Criteria: ACMG Guidelines, 2015. Collection method: clinical testing. Allele origin: unknown. Not counted in ClinVar's aggregate classification.

Center for Pediatric Genomic Medicine, Children's Mercy Hospital and Clinics
Classification: Pathogenic. Last evaluated: 2016-10-27. Review status: criteria provided, single submitter. Criteria: ACMG Guidelines, 2015. Collection method: clinical testing. Allele origin: germline. Not counted in ClinVar's aggregate classification.

Laboratory for Molecular Medicine, Mass General Brigham Personalized Medicine
Classification: Pathogenic for Very long chain acyl-CoA dehydrogenase deficiency. Last evaluated: 2016-08-25. Review status: criteria provided, single submitter. Criteria: LMM Criteria. Collection method: clinical testing. Allele origin: germline. Inheritance: Autosomal recessive inheritance. Observed: 1 variant allele. Not counted in ClinVar's aggregate classification.
Comment: The p.Val283Ala variant in ACADVL has been reported in several patients with ver y long chain acyl-CoA dehydrogenase deficiency in the homozygous or compound het erozygous state (Andresen 1996, Andresen 1999, Coughlin 2010, Hoffmann 2012, Sch woerer 2015). It has been generally associated with a milder phenotype (Spiekerk oetter 2009). This variant has also been identified in 0.24% (160/66534) of Euro pean chromosomes by the Exome Aggregation Consortium (ExAC; dbSNP 113994167). Although this variant has been seen in the general population, its frequency is low enough to be consistent with a carrier frequen cy. In addition, in vitro functional studies provide some evidence that the p.Va l283Ala variant may impact protein function (Andresen 1999, Goetzman 2007). In s ummary, this variant meets criteria to be classified as pathogenic for very long chain acyl-CoA dehydrogenase deficiency in an autosomal recessive manner based upon case studies, low frequency in controls and functional evidence.

Knight Diagnostic Laboratories, Oregon Health and Sciences University
Classification: Pathogenic for Very long chain acyl-CoA dehydrogenase deficiency. Last evaluated: 2016-06-27. Review status: criteria provided, single submitter. Criteria: ACMG Guidelines, 2015. Collection method: clinical testing. Allele origin: germline. Affected: no. Study: CSER-NextGen. Not counted in ClinVar's aggregate classification.
Comment: The c.848T>C (p.Val283Ala) missense variant in the ACADVL gene has been previously reported in numerous individuals affected with VLCAD deficiency with both the mild and severe types depending on the other variants the patients harbored, and is thus considered a common pathogenic variant associated with VLCAD deficiency (Andresen et al., 1996; Andresen et al., 1999; Boneh et al., 2006; Coughlin et al., 2010; Hoffmann et al., 2012; Miller et al., 2015). This variant is often observed in trans with other pathogenic variants in affected individuals (Boneh et al., 2006; Coughlin et al., 2010; Hoffmann et al., 2012). Furthermore, functional assays both in vitro and from patients have demonstrated that this variant resulted in reduced residual enzymatic activity (Andresen et al., 1999; Goetzman et al., 2007; Hoffmann et al., 2012). This variant is reported at low frequency in the population databases (Exome Sequencing Project = 0.128%; 1000 Genomes = NA; and ExAC = 0.24%). Multiple in silico algorithms predict this variant to have a deleterious effect (GERP = 5.22; CADD = 21.8; SIFT = 0.0). Multiple reputable diagnostic laboratories have classified this variant as Pathogenic (Emory, GeneDx). Therefore, this collective evidence supports the classification of the c.848T>C (p.Val283Ala) as a Pathogenic variant for VLCAD deficiency. We have confirmed this finding in our laboratory using Sanger sequencing.